The following is an entry in ClinVar:

ClinVar aggregate classification (germline): Uncertain significance (1 of 4 stars; one submission).

Submission:

GeneDx
Classification: Uncertain significance. Last evaluated: 2023-11-15. Review status: criteria provided, single submitter. Criteria: GeneDx Variant Classification Process June 2021. Collection method: clinical testing. Allele origin: germline. Affected: yes.
Comment: Not observed at significant frequency in large population cohorts (gnomAD); In-frame deletion of 3 amino acids and in frame insertion of 1 amino acid in a non-repeat region; In silico analysis supports a deleterious effect on protein structure/function; Has not been previously published as pathogenic or benign to our knowledge

NM_001349253.2(SCN11A):c.4888_4896delinsATC (p.Trp1630_Lys1632delinsIle)

Gene: SCN11A (sodium voltage-gated channel alpha subunit 11; minus strand). Cytogenetic location: 3p22.2.
Variant type: Indel.
Coding change: c.4888_4896delinsATC on transcript NM_001349253.2 (MANE Select); coding-DNA positions 4888 to 4896, TGGGAAAAG replaced by ATC.
Protein change: p.Trp1630_Lys1632delinsIle.
Molecular consequence: inframe indel.
Genome position (GRCh38, 1-based): chr3:38,847,174-38,847,182, CTTTTCCCA replaced by GAT on the plus strand (TGGGAAAAG replaced by ATC on the coding strand, the reverse complement: SCN11A is on the minus strand). VCF-style: chr3-38847174-CTTTTCCCA-GAT. GRCh37 (hg19) VCF-style: chr3-38888665-CTTTTCCCA-GAT.
Other names: c.4888_4896delinsATC, p.Trp1630_Lys1632delinsIle (NM_014139.3).
Identifiers: ClinVar variation 3364478 (VCV003364478.1).
Genomic context (GRCh38, chr3:38,847,174, plus strand): 5'-GGCATCAGCAAAGTCAGAAAGGGCAGAATATTTGATAAATTGTGTTGCTTCTGGGTCAAA[CTTTTCCCA>GAT]CACTTCATAAAATATGTCAAAGTCATCTTCACCCAAAGGGTCCTCACTTTCTTCAGTGGC-3'